The following is an entry in ClinVar:

NM_000489.6(ATRX):c.1403A>C (p.Gln468Pro)

Gene: ATRX (ATRX chromatin remodeler; minus strand). Cytogenetic location: Xq21.1.
Variant type: single nucleotide variant.
Coding change: c.1403A>C on transcript NM_000489.6 (MANE Select); coding-DNA position 1403, A replaced by C.
Protein change: p.Gln468Pro; replaces glutamine 468 with proline.
Molecular consequence: missense variant.
Genome position (GRCh38, 1-based): chrX:77,683,853, T>G on the plus strand (A>C on the coding strand, the complement: ATRX is on the minus strand). VCF-style: chrX-77683853-T-G. GRCh37 (hg19) VCF-style: chrX-76939345-T-G.
Other names: c.1289A>C, p.Gln430Pro (NM_138270.5); short protein forms Q468P, Q430P.
Identifiers: ClinVar variation 3695263 (VCV003695263.2).

ClinVar aggregate classification (germline): Uncertain significance (1 of 4 stars; one submission).

Conditions:
Alpha thalassemia-X-linked intellectual disability syndrome (ATRX). Also called: ALPHA-THALASSEMIA/MENTAL RETARDATION SYNDROME, X-LINKED; ATR, NONDELETION TYPE; ATR-X syndrome; Alpha thalassemia mental retardation syndrome, nondeletion type, X-linked; XLMR hypotonic face syndrome; X-linked alpha-thalassemia-mental retardation syndrome. Identifiers: Orphanet 847, MedGen C1845055, MONDO:0010519, OMIM 301040.

gnomAD v4.1: 8 of 1,210,494 alleles (0.00066%); highest among the groups gnomAD compares: Non-Finnish European, 0.00089%; no homozygotes.

Submission:

Labcorp Genetics (formerly Invitae), Labcorp
Classification: Uncertain significance for Alpha thalassemia-X-linked intellectual disability syndrome. Last evaluated: 2025-04-19. Review status: criteria provided, single submitter. Criteria: Invitae Variant Classification Sherloc (09022015). Collection method: clinical testing. Allele origin: germline.
Comment: This sequence change replaces glutamine, which is neutral and polar, with proline, which is neutral and non-polar, at codon 468 of the ATRX protein (p.Gln468Pro). This variant is not present in population databases (gnomAD no frequency). This variant has not been reported in the literature in individuals affected with ATRX-related conditions. ClinVar contains an entry for this variant (Variation ID: 3695263). Invitae Evidence Modeling of protein sequence and biophysical properties (such as structural, functional, and spatial information, amino acid conservation, physicochemical variation, residue mobility, and thermodynamic stability) indicates that this missense variant is not expected to disrupt ATRX protein function with a negative predictive value of 95%. In summary, the available evidence is currently insufficient to determine the role of this variant in disease. Therefore, it has been classified as a Variant of Uncertain Significance.